The following is an entry in ClinVar:

ClinVar aggregate classification (germline): Uncertain significance. Review status: criteria provided, multiple submitters, no conflicts (2 of 4 stars). 2 submissions from 2 submitters: Uncertain significance (2). Last evaluated 2022-12-06.

Conditions:
Inborn genetic diseases. Identifiers: MedGen C0950123, MeSH D030342.

Allele frequency attached by ClinVar (database versions not stated): ExAC 0.00001.
gnomAD v4.1: 12 of 1,614,188 alleles (0.00074%); highest among the groups gnomAD compares: Non-Finnish European, 0.001%; no homozygotes.

Submissions (2):

Ambry Genetics
Classification: Uncertain significance for Inborn genetic diseases. Last evaluated: 2022-12-06. Review status: criteria provided, single submitter. Criteria: Ambry Variant Classification Scheme 2023. Collection method: clinical testing. Allele origin: germline.

Labcorp Genetics (formerly Invitae), Labcorp
Classification: Uncertain significance. Last evaluated: 2022-03-18. Review status: criteria provided, single submitter. Criteria: Invitae Variant Classification Sherloc (09022015). Collection method: clinical testing. Allele origin: germline.
Comment: This sequence change replaces glutamine, which is neutral and polar, with histidine, which is basic and polar, at codon 1828 of the COL27A1 protein (p.Gln1828His). This variant is present in population databases (rs777230362, gnomAD 0.002%). This variant has not been reported in the literature in individuals affected with COL27A1-related conditions. Advanced modeling of protein sequence and biophysical properties (such as structural, functional, and spatial information, amino acid conservation, physicochemical variation, residue mobility, and thermodynamic stability) performed at Invitae indicates that this missense variant is not expected to disrupt COL27A1 protein function. In summary, the available evidence is currently insufficient to determine the role of this variant in disease. Therefore, it has been classified as a Variant of Uncertain Significance.

NM_032888.4(COL27A1):c.5484A>C (p.Gln1828His)

Gene: COL27A1 (collagen type XXVII alpha 1 chain; plus strand). Cytogenetic location: 9q32.
Variant type: single nucleotide variant.
Coding change: c.5484A>C on transcript NM_032888.4 (MANE Select); coding-DNA position 5484, A replaced by C.
Protein change: p.Gln1828His; replaces glutamine 1828 with histidine.
Molecular consequence: missense variant.
Genome position (GRCh38, 1-based): chr9:114,310,596, A>C. VCF-style: chr9-114310596-A-C. GRCh37 (hg19) VCF-style: chr9-117072876-A-C.
Other names: short protein forms Q1828H.
Identifiers: ClinVar variation 1936023 (VCV001936023.3), dbSNP rs777230362, ClinGen allele CA5203431.
Genomic context (GRCh38, chr9:114,310,596, plus strand): 5'-CTTCTGCCTTCAGGTCCAAGATGGCCGCTGGCATCAGACACTCTTCACCTTCCGGACCCA[A>C]GACCCCCAACAGCTGCCCATCATCAGTGTGGACAACCTCCCTCCTGCCTCATCAGGGAAG-3'
Protein context (NP_116277.2, residues 1818-1838): WHQTLFTFRT[Gln1828His]DPQQLPIISV